The following is an entry in ClinVar:

ClinVar aggregate classification (germline): Uncertain significance (1 of 4 stars; one submission).

gnomAD v4.1: 2 of 1,586,744 alleles (0.00013%); highest among the groups gnomAD compares: Admixed American, 0.0017%; no homozygotes.

Submission:

GeneDx
Classification: Uncertain significance. Last evaluated: 2026-03-21. Review status: criteria provided, single submitter. Criteria: GeneDx Variant Classification Process June 2021. Collection method: clinical testing. Allele origin: germline.
Comment: Not observed at significant frequency in large population cohorts (gnomAD); In silico analysis supports that this missense variant has a deleterious effect on protein structure/function; Has not been previously published as pathogenic or benign to our knowledge

NM_021096.4(CACNA1I):c.341T>C (p.Ile114Thr)

Gene: CACNA1I (calcium voltage-gated channel subunit alpha1 I; plus strand). Cytogenetic location: 22q13.1.
Variant type: single nucleotide variant.
Coding change: c.341T>C on transcript NM_021096.4 (MANE Select); coding-DNA position 341, T replaced by C.
Protein change: p.Ile114Thr; replaces isoleucine 114 with threonine.
Molecular consequence: missense variant.
Genome position (GRCh38, 1-based): chr22:39,598,255, T>C. VCF-style: chr22-39598255-T-C. GRCh37 (hg19) VCF-style: chr22-39994260-T-C.
Other names: c.341T>C, p.Ile114Thr (NM_001003406.2); short protein forms I114T.
Identifiers: ClinVar variation 3359708 (VCV003359708.2).
Genomic context (GRCh38, chr22:39,598,255, plus strand): 5'-TGACACTTGGCATGTACCAGCCGTGCGACGACATGGACTGCCTGTCCGACCGCTGCAAGA[T>C]CCTGCAGGTGAGCCGGCCGCCCCGCCCCGCCCCGCCCTGCCCTCATCCTCCAGGACCCGG-3'
Protein context (NP_066919.2, residues 104-124): DMDCLSDRCK[Ile114Thr]LQVFDDFIFI